The following is an entry in ClinVar:

NM_001142800.2(EYS):c.1606G>A (p.Ala536Thr)

Gene: EYS (eyes shut homolog; minus strand). Cytogenetic location: 6q12.
Variant type: single nucleotide variant.
Coding change: c.1606G>A on transcript NM_001142800.2 (MANE Select); coding-DNA position 1606, G replaced by A.
Protein change: p.Ala536Thr; replaces alanine 536 with threonine.
Molecular consequence: missense variant.
Genome position (GRCh38, 1-based): chr6:65,335,140, C>T on the plus strand (G>A on the coding strand, the complement: EYS is on the minus strand). VCF-style: chr6-65335140-C-T. GRCh37 (hg19) VCF-style: chr6-66045033-C-T.
Other names: c.1606G>A, p.Ala536Thr (NM_001142801.2, NM_001292009.2, NM_198283.2); c.1606G>A (NM_001142800.1); short protein forms A536T.
Identifiers: ClinVar variation 1481689 (VCV001481689.4), dbSNP rs2150313803, ClinGen allele CA364661259.
Genomic context (GRCh38, chr6:65,335,140, plus strand): 5'-GAAAACATAGATACCGATATTCCTGACTGTCTTCTTCACTCAAACAACTGCATCCATTTG[C>T]ACAAATCTATAGCAACGAAAGAAGTAAAAATGTTATGAATTCCCATCACTTACTACAATA-3'
Protein context (NP_001136272.1, residues 526-546): FPHEGTKEIC[Ala536Thr]NGCSCLSEED

ClinVar aggregate classification (germline): Uncertain significance. Review status: criteria provided, multiple submitters, no conflicts (2 of 4 stars). 2 submissions from 2 submitters: Uncertain significance (2). Last evaluated 2025-04-13.

Conditions:
Inborn genetic diseases. Identifiers: MedGen C0950123, MeSH D030342.

Submissions (2):

Ambry Genetics
Classification: Uncertain significance for Inborn genetic diseases. Last evaluated: 2025-04-13. Review status: criteria provided, single submitter. Criteria: Ambry Variant Classification Scheme 2023. Collection method: clinical testing. Allele origin: germline.

Labcorp Genetics (formerly Invitae), Labcorp
Classification: Uncertain significance. Last evaluated: 2022-07-19. Review status: criteria provided, single submitter. Criteria: Invitae Variant Classification Sherloc (09022015). Collection method: clinical testing. Allele origin: germline.
Comment: This sequence change replaces alanine, which is neutral and non-polar, with threonine, which is neutral and polar, at codon 536 of the EYS protein (p.Ala536Thr). This variant is not present in population databases (gnomAD no frequency). This variant has not been reported in the literature in individuals affected with EYS-related conditions. ClinVar contains an entry for this variant (Variation ID: 1481689). Algorithms developed to predict the effect of missense changes on protein structure and function output the following: SIFT: "Tolerated"; PolyPhen-2: "Benign"; Align-GVGD: "Class C0". The threonine amino acid residue is found in multiple mammalian species, which suggests that this missense change does not adversely affect protein function. In summary, the available evidence is currently insufficient to determine the role of this variant in disease. Therefore, it has been classified as a Variant of Uncertain Significance.